The following is an entry in ClinVar:

ClinVar aggregate classification (germline): Pathogenic (1 of 4 stars; one submission).

Allele frequency attached by ClinVar (database versions not stated): gnomAD exomes below 0.00001.

Submission:

Labcorp Genetics (formerly Invitae), Labcorp
Classification: Pathogenic. Last evaluated: 2022-06-27. Review status: criteria provided, single submitter. Criteria: Invitae Variant Classification Sherloc (09022015). Collection method: clinical testing. Allele origin: germline.
Comment: ClinVar contains an entry for this variant (Variation ID: 954916). For these reasons, this variant has been classified as Pathogenic. This variant has not been reported in the literature in individuals affected with SLC24A1-related conditions. This variant is not present in population databases (gnomAD no frequency). This sequence change creates a premature translational stop signal (p.Val275Hisfs*15) in the SLC24A1 gene. It is expected to result in an absent or disrupted protein product. Loss-of-function variants in SLC24A1 are known to be pathogenic (PMID: 20850105, 26822852).

Literature cited by the submitters: PubMed 20850105; PubMed 26822852.

NM_004727.3(SLC24A1):c.823_824del (p.Val275fs)

Gene: SLC24A1 (solute carrier family 24 member 1; plus strand). Cytogenetic location: 15q22.31.
Variant type: Deletion.
Coding change: c.823_824del on transcript NM_004727.3 (MANE Select); coding-DNA positions 823 to 824, 2 bases deleted (GT; older notation c.823_824delGT).
Protein change: p.Val275fs; shifts the reading frame from valine 275.
Molecular consequence: frameshift variant.
Genome position (GRCh38, 1-based): chr15:65,624,903-65,624,904, GT deleted. VCF-style (leftmost placement, unchanged base first): chr15-65624902-CGT-C. GRCh37 (hg19) VCF-style: chr15-65917240-CGT-C.
Other names: c.823_824del, p.Val275fs (NM_001301031.1, NM_001301032.1, NM_001301033.2); short protein forms V275fs.
Identifiers: ClinVar variation 954916 (VCV000954916.7), dbSNP rs2074450400, ClinGen allele CA1139664035.